The following is an entry in ClinVar:

ClinVar aggregate classification (germline): Likely benign (0 of 4 stars; one submission).

Conditions:
ADCY3-related disorder. Also called: ADCY3-related condition.

Allele frequency attached by ClinVar (database versions not stated): gnomAD 0.00001; gnomAD exomes 0.00001; TOPMed 0.00001; ExAC 0.00002.
gnomAD v4.1: 14 of 1,614,158 alleles (0.00087%); highest among the groups gnomAD compares: Non-Finnish European, 0.0012%; no homozygotes.

Submission:

PreventionGenetics, part of Exact Sciences
Classification: Likely benign for ADCY3-related condition. Last evaluated: 2022-01-12. Review status: no assertion criteria provided. Collection method: clinical testing. Allele origin: germline.
Comment: This variant is classified as likely benign based on ACMG/AMP sequence variant interpretation guidelines (Richards et al. 2015 PMID: 25741868, with internal and published modifications).

NM_004036.5(ADCY3):c.2643C>T (p.Val881=)

Gene: ADCY3 (adenylate cyclase 3; minus strand). Cytogenetic location: 2p23.3.
Variant type: single nucleotide variant.
Coding change: c.2643C>T on transcript NM_004036.5 (MANE Select); coding-DNA position 2643, C replaced by T.
Protein change: p.Val881=; no amino-acid change (valine 881 retained).
Molecular consequence: synonymous variant.
Genome position (GRCh38, 1-based): chr2:24,824,471, G>A on the plus strand (C>T on the coding strand, the complement: ADCY3 is on the minus strand). VCF-style: chr2-24824471-G-A. GRCh37 (hg19) VCF-style: chr2-25047340-G-A.
Other names: c.2646C>T, p.Val882= (NM_001320613.2); c.2709C>T, p.Val903= (NM_001377128.1); c.2505C>T, p.Val835= (NM_001377129.1); c.2238C>T, p.Val746= (NM_001377130.1); c.1920C>T, p.Val640= (NM_001377131.1); c.2643C>T, p.Val881= (NM_001377132.1).
Identifiers: ClinVar variation 3032224 (VCV003032224.2), dbSNP rs780327182, ClinGen allele CA1553654.
Genomic context (GRCh38, chr2:24,824,471, plus strand): 5'-TGCCACGTGCTCAGGCAACATGTTGGTGACCAAGGCCTCGTTCCAGCGTCGCATCTCATA[G>A]ACACGTTCCTTCTGGTCGTGGACCTCAATCTTCCACAAGAAAAGTGTCCGTGCCAGTTTT-3'
Protein context (NP_004027.2, residues 871-891): KIEVHDQKER[Val881=]YEMRRWNEAL